The following is an entry in ClinVar:

ClinVar aggregate classification (germline): Uncertain significance (1 of 4 stars; one submission).

Conditions:
Noonan syndrome 9 (NS9). Identifiers: Orphanet 648, MedGen C4225282, MONDO:0014691, OMIM 616559.

Allele frequency attached by ClinVar (database versions not stated): gnomAD exomes below 0.00001; TOPMed below 0.00001.
gnomAD v4.1: 1 of 1,613,840 alleles (0.000062%); highest among the groups gnomAD compares: East Asian, 0.0022%; no homozygotes.

Submission:

Labcorp Genetics (formerly Invitae), Labcorp
Classification: Uncertain significance for Noonan syndrome 9. Last evaluated: 2021-08-24. Review status: criteria provided, single submitter. Criteria: Invitae Variant Classification Sherloc (09022015). Collection method: clinical testing. Allele origin: germline.
Comment: This sequence change replaces proline with leucine at codon 1224 of the SOS2 protein (p.Pro1224Leu). The proline residue is moderately conserved and there is a moderate physicochemical difference between proline and leucine. This variant is not present in population databases (ExAC no frequency). This variant has not been reported in the literature in individuals affected with SOS2-related conditions. Advanced modeling of protein sequence and biophysical properties (such as structural, functional, and spatial information, amino acid conservation, physicochemical variation, residue mobility, and thermodynamic stability) performed at Invitae indicates that this missense variant is not expected to disrupt SOS2 protein function. In summary, the available evidence is currently insufficient to determine the role of this variant in disease. Therefore, it has been classified as a Variant of Uncertain Significance.

NM_006939.4(SOS2):c.3671C>T (p.Pro1224Leu)

Gene: SOS2 (SOS Ras/Rho guanine nucleotide exchange factor 2; minus strand). Cytogenetic location: 14q21.3.
Variant type: single nucleotide variant.
Coding change: c.3671C>T on transcript NM_006939.4 (MANE Select); coding-DNA position 3671, C replaced by T.
Protein change: p.Pro1224Leu; replaces proline 1224 with leucine.
Molecular consequence: missense variant.
Genome position (GRCh38, 1-based): chr14:50,118,672, G>A on the plus strand (C>T on the coding strand, the complement: SOS2 is on the minus strand). VCF-style: chr14-50118672-G-A. GRCh37 (hg19) VCF-style: chr14-50585390-G-A.
Other names: short protein forms P1224L.
Identifiers: ClinVar variation 1413186 (VCV001413186.6), dbSNP rs1883396353, ClinGen allele CA389638315.